The following is an entry in ClinVar:

NM_000038.6(APC):c.8297G>A (p.Ser2766Asn)

Gene: APC (APC regulator of Wnt signaling pathway; plus strand). Cytogenetic location: 5q22.2.
Variant type: single nucleotide variant.
Coding change: c.8297G>A on transcript NM_000038.6 (MANE Select); coding-DNA position 8297, G replaced by A.
Protein change: p.Ser2766Asn; replaces serine 2766 with asparagine.
Molecular consequence: missense variant.
Genome position (GRCh38, 1-based): chr5:112,843,891, G>A. VCF-style: chr5-112843891-G-A. GRCh37 (hg19) VCF-style: chr5-112179588-G-A.
Other names: c.8297G>A, p.Ser2766Asn (NM_001127510.3, NM_001354895.2); c.8243G>A, p.Ser2748Asn (NM_001127511.3); c.8351G>A, p.Ser2784Asn (NM_001354896.2); c.8327G>A, p.Ser2776Asn (NM_001354897.2); c.8222G>A, p.Ser2741Asn (NM_001354898.2); c.8213G>A, p.Ser2738Asn (NM_001354899.2); c.8174G>A, p.Ser2725Asn (NM_001354900.2); c.8120G>A, p.Ser2707Asn (NM_001354901.2); and 5 more; short protein forms S2606N, S2707N, S2776N, S2640N, S2725N, S2738N, S2483N, S2766N.
Identifiers: ClinVar variation 665966 (VCV000665966.17), dbSNP rs1580692235, ClinGen allele CA16039333.

ClinVar aggregate classification (germline): Uncertain significance. Review status: criteria provided, multiple submitters, no conflicts (2 of 4 stars). 3 submissions from 3 submitters: Uncertain significance (3). Last evaluated 2025-07-25.

Conditions:
Familial adenomatous polyposis 1 (FAP1). Also called: POLYPOSIS, ADENOMATOUS INTESTINAL; FAMILIAL ADENOMATOUS POLYPOSIS 1, ATTENUATED. Identifiers: MedGen C2713442, MONDO:0021056, OMIM 175100. Disease mechanism: loss of function.
Hereditary cancer-predisposing syndrome. Also called: Tumor predisposition; Hereditary neoplastic syndrome; Neoplastic Syndromes, Hereditary; Hereditary Cancer Syndrome. Identifiers: Orphanet 140162, MedGen C0027672, MeSH D009386, MONDO:0015356.

Allele frequency attached by ClinVar (database versions not stated): gnomAD exomes below 0.00001.
gnomAD v4.1: 4 of 1,613,960 alleles (0.00025%); highest among the groups gnomAD compares: Non-Finnish European, 0.00034%; no homozygotes.

Submissions (3):

Ambry Genetics
Classification: Uncertain significance for Hereditary cancer-predisposing syndrome. Last evaluated: 2025-07-25. Review status: criteria provided, single submitter. Criteria: Ambry Variant Classification Scheme 2023. Collection method: clinical testing. Allele origin: germline.
Comment: The p.S2766N variant (also known as c.8297G>A), located in coding exon 15 of the APC gene, results from a G to A substitution at nucleotide position 8297. The serine at codon 2766 is replaced by asparagine, an amino acid with highly similar properties. This amino acid position is well conserved in available vertebrate species. In addition, in silico predictors for this gene do not accurately predict pathogenicity. Since supporting evidence is limited at this time, the clinical significance of this alteration remains unclear.

Labcorp Genetics (formerly Invitae), Labcorp
Classification: Uncertain significance for Familial adenomatous polyposis 1. Last evaluated: 2024-06-25. Review status: criteria provided, single submitter. Criteria: Invitae Variant Classification Sherloc (09022015). Collection method: clinical testing. Allele origin: germline.
Comment: This sequence change replaces serine, which is neutral and polar, with asparagine, which is neutral and polar, at codon 2766 of the APC protein (p.Ser2766Asn). This variant is not present in population databases (gnomAD no frequency). This variant has not been reported in the literature in individuals affected with APC-related conditions. ClinVar contains an entry for this variant (Variation ID: 665966). Advanced modeling of protein sequence and biophysical properties (such as structural, functional, and spatial information, amino acid conservation, physicochemical variation, residue mobility, and thermodynamic stability) performed at Invitae indicates that this missense variant is not expected to disrupt APC protein function with a negative predictive value of 95%. In summary, the available evidence is currently insufficient to determine the role of this variant in disease. Therefore, it has been classified as a Variant of Uncertain Significance.

Baylor Genetics
Classification: Uncertain significance for Familial adenomatous polyposis 1. Last evaluated: 2023-08-05. Review status: criteria provided, single submitter. Criteria: ACMG Guidelines, 2015. Collection method: clinical testing. Allele origin: unknown.